The following is an entry in ClinVar:

ClinVar aggregate classification (germline): Conflicting classifications of pathogenicity. Review status: criteria provided, conflicting classifications (1 of 4 stars). 10 submissions from 10 submitters: Uncertain significance (4); Benign (1); Likely benign (4). 1 of the submissions does not count toward it. Last evaluated 2026-01-30.

Conditions:
APC associated polyposis.
Classic or attenuated familial adenomatous polyposis. Identifiers: MedGen CN372698, MONDO:0021057.
Hereditary cancer-predisposing syndrome. Also called: Tumor predisposition; Neoplastic Syndromes, Hereditary; Hereditary neoplastic syndrome; Hereditary Cancer Syndrome. Identifiers: Orphanet 140162, MedGen C0027672, MeSH D009386, MONDO:0015356.
Familial adenomatous polyposis 1 (FAP1). Also called: POLYPOSIS, ADENOMATOUS INTESTINAL; FAMILIAL ADENOMATOUS POLYPOSIS 1, ATTENUATED. Identifiers: MedGen C2713442, MONDO:0021056, OMIM 175100. Disease mechanism: loss of function.

Allele frequency attached by ClinVar (database versions not stated): TOPMed 0.00001; gnomAD 0.00002; gnomAD exomes 0.00003; ExAC 0.00001.
gnomAD v4.1: 45 of 1,602,514 alleles (0.0028%); highest among the groups gnomAD compares: South Asian, 0.0045%; no homozygotes.

Submissions (10):

Cambridge Genomics Laboratory, East Genomic Laboratory Hub, NHS Genomic Medicine Service
Classification: Likely benign for APC associated polyposis. Last evaluated: 2026-01-30. Review status: criteria provided, single submitter. Criteria: ACGS Best Practice Guidelines for Variant Classification in Rare Disease 2020. Collection method: clinical testing. Allele origin: germline. Affected: yes.
Comment: BS1_Strong,BP1

Labcorp Genetics (formerly Invitae), Labcorp
Classification: Benign for Familial adenomatous polyposis 1. Last evaluated: 2026-01-21. Review status: criteria provided, single submitter. Criteria: Invitae Variant Classification Sherloc (09022015). Collection method: clinical testing. Allele origin: germline.

GeneDx
Classification: Uncertain significance. Last evaluated: 2025-10-13. Review status: criteria provided, single submitter. Criteria: GeneDx Variant Classification Process June 2021. Collection method: clinical testing. Allele origin: germline. Affected: yes.
Comment: Not observed at significant frequency in large population cohorts (gnomAD); In silico analysis suggests that this missense variant does not alter protein structure/function; Observed in individuals with breast cancer or early onset colorectal cancer (PMID: 25186627, 28944238); This variant is associated with the following publications: (PMID: 30122538, 29245953, 18199528, 25186627, 28944238)

Color Diagnostics, LLC DBA Color Health
Classification: Likely benign for Hereditary cancer-predisposing syndrome. Last evaluated: 2024-09-24. Review status: criteria provided, single submitter. Criteria: ACMG Guidelines, 2015. Collection method: clinical testing. Allele origin: germline.

All of Us Research Program, National Institutes of Health
Classification: Likely benign for Classic or attenuated familial adenomatous polyposis. Last evaluated: 2023-12-07. Review status: criteria provided, single submitter. Criteria: ACMG Guidelines, 2015. Collection method: clinical testing. Allele origin: germline. Inheritance: Autosomal dominant inheritance. Observed: 5 variant alleles, 5 heterozygotes.
Comment: This study involves interpretation of variants in research participants for the purpose of population health screening. Participant phenotype was not available at the time of variant classification. Additional details can be found in publication PMID: 35346344, PMCID: PMC8962531

Quest Diagnostics Nichols Institute San Juan Capistrano
Classification: Uncertain significance. Last evaluated: 2023-11-17. Review status: criteria provided, single submitter. Criteria: Quest Diagnostics criteria. Collection method: clinical testing. Allele origin: unknown.
Comment: The APC c.8429A>G (p.Asn2810Ser) variant has been reported in the published literature in an individual with breast cancer (PMID: 25186627 (2015)). The frequency of this variant in the general population, 0.00004 (5/125130 chromosomes (Genome Aggregation Database)), is uninformative in the assessment of its pathogenicity. Analysis of this variant using bioinformatics tools for the prediction of the effect of amino acid changes on protein structure and function yielded predictions that this variant is benign. Based on the available information, we are unable to determine the clinical significance of this variant.

Myriad Genetics, Inc.
Classification: Uncertain significance for Familial adenomatous polyposis 1. Last evaluated: 2023-02-16. Review status: criteria provided, single submitter. Criteria: Myriad Autosomal Dominant, Autosomal Recessive and X-Linked Classification Criteria (2023). Collection method: clinical testing. Allele origin: unknown.
Comment: This variant is classified as a variant of uncertain significance as there is insufficient evidence to determine its impact on protein function and/or cancer risk.

Ambry Genetics
Classification: Likely benign for Hereditary cancer-predisposing syndrome. Last evaluated: 2021-12-15. Review status: criteria provided, single submitter. Criteria: Ambry Variant Classification Scheme 2023. Collection method: clinical testing. Allele origin: germline.

Sema4
Classification: Uncertain significance for Hereditary cancer-predisposing syndrome. Last evaluated: 2021-09-25. Review status: criteria provided, single submitter. Criteria: Sema4 Curation Guidelines. Collection method: curation. Allele origin: germline.
Comment: To the best of our knowledge, the APC c.8429A>G (p.N2810S) variant has not been reported in individuals with APC-related disease. It was observed in 5/125130 chromosomes of the Non-Finnish European subpopulation in the large and broad cohorts of the Genome Aggregation Database (PMID: 32461654). The variant has been reported in ClinVar (Variation ID 186379). Functional studies have not been performed, and in silico predictions of the variant's effect on protein function are inconclusive. The evidence is insufficient to meet ACMG/AMP criteria for classifying the variant as benign or pathogenic. Thus, the clinical significance of this variant is currently uncertain.

Counsyl
Classification: Uncertain significance for Familial adenomatous polyposis 1. Last evaluated: 2017-02-07. Review status: no assertion criteria provided. Collection method: clinical testing. Allele origin: unknown. Not counted in ClinVar's aggregate classification.

Literature cited by the submitters: PubMed 25186627 (cited by Quest Diagnostics Nichols Institute San Juan Capistrano); PubMed 28944238 (cited by Ambry Genetics).

NM_000038.6(APC):c.8429A>G (p.Asn2810Ser)

Gene: APC (APC regulator of Wnt signaling pathway; plus strand). Cytogenetic location: 5q22.2.
Variant type: single nucleotide variant.
Coding change: c.8429A>G on transcript NM_000038.6 (MANE Select); coding-DNA position 8429, A replaced by G.
Protein change: p.Asn2810Ser; replaces asparagine 2810 with serine.
Molecular consequence: missense variant.
Genome position (GRCh38, 1-based): chr5:112,844,023, A>G. VCF-style: chr5-112844023-A-G. GRCh37 (hg19) VCF-style: chr5-112179720-A-G.
Other names: c.8429A>G, p.Asn2810Ser (NM_001127510.3, NM_001354895.2); c.8375A>G, p.Asn2792Ser (NM_001127511.3); c.8483A>G, p.Asn2828Ser (NM_001354896.2); c.8459A>G, p.Asn2820Ser (NM_001354897.2); c.8354A>G, p.Asn2785Ser (NM_001354898.2); c.8345A>G, p.Asn2782Ser (NM_001354899.2); c.8306A>G, p.Asn2769Ser (NM_001354900.2); c.8252A>G, p.Asn2751Ser (NM_001354901.2); and 5 more; short protein forms N2792S, N2810S, N2527S, N2719S, N2785S, N2820S, N2709S, N2751S.
Identifiers: ClinVar variation 186379 (VCV000186379.29), dbSNP rs758044862, ClinGen allele CA015484.